The following is an entry in ClinVar:

NC_000023.10:g.(153784592_153786746)_(153793262_?)dup

Gene: IKBKG (inhibitor of nuclear factor kappa B kinase regulatory subunit gamma; plus strand). Cytogenetic location: Xq28.
Variant type: Duplication.
Identifiers: ClinVar variation 4847664 (VCV004847664.1).

ClinVar aggregate classification (germline): Benign (1 of 4 stars; one submission).

Submission:

Women's Health and Genetics/Laboratory Corporation of America, LabCorp
Classification: Benign. Last evaluated: 2026-03-26. Review status: criteria provided, single submitter. Criteria: LabCorp Variant Classification Summary - May 2015. Collection method: clinical testing. Allele origin: germline.
Comment: Variant summary: The variant involves the duplication of exons 4-10 in the IKBKG gene. A presumed nomenclature of c.(399+1_400-1)_(*586_?)dup has been designated for the purposes of this classification. The variant allele was found at a frequency of 0.023 in 14585 control chromosomes, predominantly at a frequency of 0.049 within the African or African-American subpopulation in the gnomAD database, including 136 homozygotes. The observed variant frequency within African or African-American control individuals in the gnomAD database exceeds the estimated maximal expected allele frequency for disease-causing variants in IKBKG. To our knowledge, no occurrence of c.(399+1_400-1)_(*586_?)dup in individuals affected with IKBKG-related conditions and no experimental evidence demonstrating its impact on protein function have been reported. No submitters have cited clinical-significance assessments for this variant to ClinVar. Based on the evidence outlined above, the variant was classified as benign.